The following is an entry in ClinVar:

NM_004444.5(EPHB4):c.1625C>T (p.Ala542Val)

Gene: EPHB4 (EPH receptor B4; minus strand). Cytogenetic location: 7q22.1.
Variant type: single nucleotide variant.
Coding change: c.1625C>T on transcript NM_004444.5 (MANE Select); coding-DNA position 1625, C replaced by T.
Protein change: p.Ala542Val; replaces alanine 542 with valine.
Molecular consequence: missense variant.
Genome position (GRCh38, 1-based): chr7:100,813,985, G>A on the plus strand (C>T on the coding strand, the complement: EPHB4 is on the minus strand). VCF-style: chr7-100813985-G-A. GRCh37 (hg19) VCF-style: chr7-100411607-G-A.
Other names: short protein forms A542V.
Identifiers: ClinVar variation 1776680 (VCV001776680.6), dbSNP rs201096509, ClinGen allele CA4392903.
Genomic context (GRCh38, chr7:100,813,985, plus strand): 5'-CAGAGAACTGCGACCACAATGACCACCAGGACCAGGACCACACCCACGACTGCCGTGCCC[G>A]CAATCAGGGCCAGCTGCTCCCGCCAGCCCTCGCTCTCTGCGGAAGGAAAGGCTGCTGATC-3'
Protein context (NP_004435.3, residues 532-552): EGWREQLALI[Ala542Val]GTAVVGVVLV

ClinVar aggregate classification (germline): Conflicting classifications of pathogenicity. Review status: criteria provided, conflicting classifications (1 of 4 stars). 3 submissions from 3 submitters: Uncertain significance (2); Likely benign (1). Last evaluated 2025-07-17.

Conditions:
Cardiovascular phenotype. Identifiers: MedGen CN230736.

Allele frequency attached by ClinVar (database versions not stated): ExAC 0.00002; gnomAD 0.00005; gnomAD exomes 0.00005; TOPMed 0.00005.
gnomAD v4.1: 75 of 1,613,998 alleles (0.0046%); highest among the groups gnomAD compares: Non-Finnish European, 0.006%; no homozygotes.

Submissions (3):

ARUP Laboratories, Molecular Genetics and Genomics, ARUP Laboratories
Classification: Uncertain significance. Last evaluated: 2025-07-17. Review status: criteria provided, single submitter. Criteria: ARUP Molecular Germline Variant Investigation Process 2024. Collection method: clinical testing. Allele origin: germline.
Comment: The EPHB4 c.1625C>T; p.Ala542Val variant (rs201096509), to our knowledge, is not reported in the medical literature but is reported in ClinVar (Variation ID: 1776680). This variant is found in the general population with an overall allele frequency of 0.0025% (7/282,120 alleles) in the Genome Aggregation Database (v2.1.1). Computational analyses predict that this variant is neutral (REVEL: 0.066). Due to limited information, the clinical significance of this variant is uncertain at this time.

Labcorp Genetics (formerly Invitae), Labcorp
Classification: Uncertain significance. Last evaluated: 2023-07-19. Review status: criteria provided, single submitter. Criteria: Invitae Variant Classification Sherloc (09022015). Collection method: clinical testing. Allele origin: germline.
Comment: This sequence change replaces alanine, which is neutral and non-polar, with valine, which is neutral and non-polar, at codon 542 of the EPHB4 protein (p.Ala542Val). This variant is present in population databases (rs201096509, gnomAD 0.005%). This variant has not been reported in the literature in individuals affected with EPHB4-related conditions. ClinVar contains an entry for this variant (Variation ID: 1776680). An algorithm developed to predict the effect of missense changes on protein structure and function (PolyPhen-2) suggests that this variant is likely to be tolerated. In summary, the available evidence is currently insufficient to determine the role of this variant in disease. Therefore, it has been classified as a Variant of Uncertain Significance.

Ambry Genetics
Classification: Likely benign for Cardiovascular phenotype. Last evaluated: 2021-08-19. Review status: criteria provided, single submitter. Criteria: Ambry Variant Classification Scheme 2023. Collection method: clinical testing. Allele origin: germline.